The following is an entry in ClinVar:

NM_003151.4(STAT4):c.1087A>T (p.Ile363Phe)

Gene: STAT4 (signal transducer and activator of transcription 4; minus strand). Cytogenetic location: 2q32.2.
Variant type: single nucleotide variant.
Coding change: c.1087A>T on transcript NM_003151.4 (MANE Select); coding-DNA position 1087, A replaced by T.
Protein change: p.Ile363Phe; replaces isoleucine 363 with phenylalanine.
Molecular consequence: missense variant.
Genome position (GRCh38, 1-based): chr2:191,058,717, T>A on the plus strand (A>T on the coding strand, the complement: STAT4 is on the minus strand). VCF-style: chr2-191058717-T-A. GRCh37 (hg19) VCF-style: chr2-191923443-T-A.
Other names: c.1087A>T, p.Ile363Phe (NM_001243835.2); short protein forms I363F.
Identifiers: ClinVar variation 3671786 (VCV003671786.2).

ClinVar aggregate classification (germline): Uncertain significance (1 of 4 stars; one submission).

Submission:

Labcorp Genetics (formerly Invitae), Labcorp
Classification: Uncertain significance. Last evaluated: 2024-03-20. Review status: criteria provided, single submitter. Criteria: Invitae Variant Classification Sherloc (09022015). Collection method: clinical testing. Allele origin: germline.
Comment: This sequence change replaces isoleucine, which is neutral and non-polar, with phenylalanine, which is neutral and non-polar, at codon 363 of the STAT4 protein (p.Ile363Phe). The frequency data for this variant in the population databases is considered unreliable, as metrics indicate poor data quality at this position in the gnomAD database. This variant has not been reported in the literature in individuals affected with STAT4-related conditions. An algorithm developed to predict the effect of missense changes on protein structure and function (PolyPhen-2) suggests that this variant is likely to be tolerated. In summary, the available evidence is currently insufficient to determine the role of this variant in disease. Therefore, it has been classified as a Variant of Uncertain Significance.